The following is an entry in ClinVar:

NM_000492.4(CFTR):c.743+4G>A

Gene: CFTR (CF transmembrane conductance regulator; plus strand). Cytogenetic location: 7q31.2.
Variant type: single nucleotide variant.
Coding change: c.743+4G>A on transcript NM_000492.4 (MANE Select); 4 bases into the intron after coding-DNA position 743, G replaced by A.
Molecular consequence: intron variant.
Genome position (GRCh38, 1-based): chr7:117,535,415, G>A. VCF-style: chr7-117535415-G-A. GRCh37 (hg19) VCF-style: chr7-117175469-G-A.
Identifiers: ClinVar variation 4536667 (VCV004536667.1).
Genomic context (GRCh38, chr7:117,535,415, plus strand): 5'-CCTGATAGTCCTTGCCCTTTTTCAGGCTGGGCTAGGGAGAATGATGATGAAGTACAGGTA[G>A]CAACCTATTTTCATAACTTGAAAGTTTTAAAAATTATGTTTTCAAAAAGCCCACTTTAGT-3'

ClinVar aggregate classification (germline): Uncertain significance (1 of 4 stars; one submission).

gnomAD v4.1: 1 of 1,613,550 alleles (0.000062%); highest among the groups gnomAD compares: South Asian, 0.0011%; no homozygotes.

Submission:

Women's Health and Genetics/Laboratory Corporation of America, LabCorp
Classification: Uncertain significance. Last evaluated: 2025-11-17. Review status: criteria provided, single submitter. Criteria: LabCorp Variant Classification Summary - May 2015. Collection method: clinical testing. Allele origin: germline.
Comment: Variant summary: CFTR c.743+4G>A alters a nucleotide located close to a canonical splice site and therefore could affect mRNA splicing, leading to a significantly altered protein sequence. Consensus agreement among computation tools predict no significant impact on normal splicing. However, these predictions have yet to be confirmed by functional studies. The variant was absent in 251312 control chromosomes. The available data on variant occurrences in the general population are insufficient to allow any conclusion about variant significance. To our knowledge, no occurrence of c.743+4G>A in individuals affected with CFTR-related conditions and no experimental evidence demonstrating its impact on protein function have been reported. No submitters have cited clinical-significance assessments for this variant to ClinVar. Based on the evidence outlined above, the variant was classified as uncertain significance.